The following is an entry in ClinVar:

NM_000222.3(KIT):c.2237C>T (p.Ser746Leu)

Gene: KIT (KIT proto-oncogene, receptor tyrosine kinase; plus strand). Cytogenetic location: 4q12.
Variant type: single nucleotide variant.
Coding change: c.2237C>T on transcript NM_000222.3 (MANE Select); coding-DNA position 2237, C replaced by T.
Protein change: p.Ser746Leu; replaces serine 746 with leucine.
Molecular consequence: missense variant.
Genome position (GRCh38, 1-based): chr4:54,731,874, C>T. VCF-style: chr4-54731874-C-T. GRCh37 (hg19) VCF-style: chr4-55598040-C-T.
Other names: c.2237C>T, p.Ser746Leu (NM_001385290.1); c.2225C>T, p.Ser742Leu (NM_001385292.1, NM_001093772.2); c.2240C>T, p.Ser747Leu (NM_001385284.1); c.2234C>T, p.Ser745Leu (NM_001385285.1); c.2222C>T, p.Ser741Leu (NM_001385286.1); c.2228C>T, p.Ser743Leu (NM_001385288.1); short protein forms S743L, S745L, S747L, S742L, S741L, S746L.
Identifiers: ClinVar variation 1046283 (VCV001046283.8), dbSNP rs1722618479, ClinGen allele CA356910822.

ClinVar aggregate classification (germline): Uncertain significance (1 of 4 stars; one submission).

Conditions:
Gastrointestinal stromal tumor. Also called: Gastrointestinal stromal tumor, somatic; Gastrointestinal stroma tumor. Identifiers: Orphanet 44890, MedGen C0238198, MeSH D046152, MONDO:0011719, OMIM 606764, HP:0100723.

Allele frequency attached by ClinVar (database versions not stated): gnomAD exomes below 0.00001.
gnomAD v4.1: 2 of 1,613,344 alleles (0.00012%); highest among the groups gnomAD compares: Non-Finnish European, 0.00017%; no homozygotes.

Submission:

Labcorp Genetics (formerly Invitae), Labcorp
Classification: Uncertain significance for Gastrointestinal stromal tumor. Last evaluated: 2022-11-08. Review status: criteria provided, single submitter. Criteria: Invitae Variant Classification Sherloc (09022015). Collection method: clinical testing. Allele origin: germline.
Comment: This variant is not present in population databases (gnomAD no frequency). This sequence change replaces serine, which is neutral and polar, with leucine, which is neutral and non-polar, at codon 746 of the KIT protein (p.Ser746Leu). This variant has not been reported in the literature in individuals affected with KIT-related conditions. ClinVar contains an entry for this variant (Variation ID: 1046283). Algorithms developed to predict the effect of missense changes on protein structure and function (SIFT, PolyPhen-2, Align-GVGD) all suggest that this variant is likely to be disruptive. In summary, the available evidence is currently insufficient to determine the role of this variant in disease. Therefore, it has been classified as a Variant of Uncertain Significance.